The following is an entry in ClinVar:

ClinVar aggregate classification (germline): Uncertain significance (1 of 4 stars; one submission).

Conditions:
EPILEPSY, CHILDHOOD ABSENCE, SUSCEPTIBILITY TO, 2 (ECA2). Identifiers: Orphanet 64280, MedGen C1843244, OMIM 607681.
Febrile seizures, familial, 8 (FEB8). Also called: CONVULSIONS, FAMILIAL FEBRILE, 8. Identifiers: Orphanet 36387, MedGen C1969810, MONDO:0011891, OMIM 607681.

Submission:

Labcorp Genetics (formerly Invitae), Labcorp
Classification: Uncertain significance for Febrile seizures, familial, 8; EPILEPSY, CHILDHOOD ABSENCE, SUSCEPTIBILITY TO, 2. Last evaluated: 2022-08-31. Review status: criteria provided, single submitter. Criteria: Invitae Variant Classification Sherloc (09022015). Collection method: clinical testing. Allele origin: germline.
Comment: This variant is not present in population databases (gnomAD no frequency). This sequence change falls in intron 5 of the GABRG2 gene. It does not directly change the encoded amino acid sequence of the GABRG2 protein. It affects a nucleotide within the consensus splice site. This variant has not been reported in the literature in individuals affected with GABRG2-related conditions. In summary, the available evidence is currently insufficient to determine the role of this variant in disease. Therefore, it has been classified as a Variant of Uncertain Significance. Variants that disrupt the consensus splice site are a relatively common cause of aberrant splicing (PMID: 17576681, 9536098). Algorithms developed to predict the effect of sequence changes on RNA splicing suggest that this variant may disrupt the consensus splice site.

Literature cited by the submitters: PubMed 17576681; PubMed 9536098.

NM_198904.4(GABRG2):c.631+5G>C

Gene: GABRG2 (gamma-aminobutyric acid type A receptor subunit gamma2; plus strand). Cytogenetic location: 5q34.
Variant type: single nucleotide variant.
Coding change: c.631+5G>C on transcript NM_198904.4 (MANE Select); 5 bases into the intron after coding-DNA position 631, G replaced by C.
Molecular consequence: intron variant.
Genome position (GRCh38, 1-based): chr5:162,101,322, G>C. VCF-style: chr5-162101322-G-C. GRCh37 (hg19) VCF-style: chr5-161528328-G-C.
Other names: c.346+5G>C (NM_001375349.1); c.631+5G>C (NM_001375343.1, NM_001375344.1, NM_001375340.1 and 4 more transcripts); c.211+5G>C (NM_001375350.1, NM_001375348.1); c.622+5G>C (NM_001375339.1); c.565+5G>C (NM_001375346.1, NM_001375345.1); c.544+5G>C (NM_001375347.1).
Identifiers: ClinVar variation 2004413 (VCV002004413.4), dbSNP rs2532582082, ClinGen allele CA2580073985.